The following is an entry in ClinVar:

NM_001377229.1(DISP1):c.4060A>C (p.Asn1354His)

Gene: DISP1 (dispatched RND transporter family member 1; plus strand). Cytogenetic location: 1q41.
Variant type: single nucleotide variant.
Coding change: c.4060A>C on transcript NM_001377229.1 (MANE Select); coding-DNA position 4060, A replaced by C.
Protein change: p.Asn1354His; replaces asparagine 1354 with histidine.
Molecular consequence: missense variant.
Genome position (GRCh38, 1-based): chr1:223,005,457, A>C. VCF-style: chr1-223005457-A-C. GRCh37 (hg19) VCF-style: chr1-223178799-A-C.
Other names: c.3331A>C, p.Asn1111His (NM_001350630.2); c.4060A>C, p.Asn1354His (NM_001369594.1, NM_001377228.1, NM_032890.5); short protein forms N1111H, N1354H.
Identifiers: ClinVar variation 3699027 (VCV003699027.2).

ClinVar aggregate classification (germline): Uncertain significance (1 of 4 stars; one submission).

Submission:

Labcorp Genetics (formerly Invitae), Labcorp
Classification: Uncertain significance. Last evaluated: 2025-12-19. Review status: criteria provided, single submitter. Criteria: Invitae Variant Classification Sherloc (09022015). Collection method: clinical testing. Allele origin: germline.
Comment: This sequence change replaces asparagine, which is neutral and polar, with histidine, which is basic and polar, at codon 1354 of the DISP1 protein (p.Asn1354His). This variant is not present in population databases (gnomAD no frequency). This variant has not been reported in the literature in individuals affected with DISP1-related conditions. ClinVar contains an entry for this variant (Variation ID: 3699027). An algorithm developed to predict the effect of missense changes on protein structure and function (PolyPhen-2) suggests that this variant is likely to be tolerated. In summary, the available evidence is currently insufficient to determine the role of this variant in disease. Therefore, it has been classified as a Variant of Uncertain Significance.